The following is an entry in ClinVar:

NM_198576.4(AGRN):c.3533G>A (p.Arg1178Gln)

Gene: AGRN (agrin; plus strand). Cytogenetic location: 1p36.33.
Variant type: single nucleotide variant.
Coding change: c.3533G>A on transcript NM_198576.4 (MANE Select); coding-DNA position 3533, G replaced by A.
Protein change: p.Arg1178Gln; replaces arginine 1178 with glutamine.
Molecular consequence: missense variant.
Genome position (GRCh38, 1-based): chr1:1,047,589, G>A. VCF-style: chr1-1047589-G-A. GRCh37 (hg19) VCF-style: chr1-982969-G-A.
Other names: c.3533G>A, p.Arg1178Gln (NM_001305275.2); c.3218G>A, p.Arg1073Gln (NM_001364727.2); short protein forms R1178Q, R1073Q.
Identifiers: ClinVar variation 541190 (VCV000541190.42), dbSNP rs148430436, ClinGen allele CA509132.

ClinVar aggregate classification (germline): Likely benign. Review status: criteria provided, multiple submitters, no conflicts (2 of 4 stars). 3 submissions from 3 submitters: Likely benign (3). Last evaluated 2026-01-14.

Conditions:
Congenital myasthenic syndrome 8. Also called: MYASTHENIC SYNDROME, CONGENITAL, DUE TO AGRIN DEFICIENCY; Myasthenic syndrome, congenital, 8, with pre- and postsynaptic defects. Identifiers: Orphanet 590, MedGen C3808739, MONDO:0014052, OMIM 615120.

Allele frequency attached by ClinVar (database versions not stated): gnomAD exomes 0.00028 and 0.00059; ExAC 0.00070; 1000 Genomes Project 0.00080; 1000 Genomes Project 30x 0.00109; gnomAD 0.00237 and 0.00264; TOPMed 0.00255; ESP Exome Variant Server 0.00369.
gnomAD v4.1: 775 of 1,612,938 alleles (0.048%); highest among the groups gnomAD compares: African/African-American, 0.93%; 1 homozygote.

Submissions (4):

Labcorp Genetics (formerly Invitae), Labcorp
Classification: Likely benign for Congenital myasthenic syndrome 8. Last evaluated: 2026-01-14. Review status: criteria provided, single submitter. Criteria: Invitae Variant Classification Sherloc (09022015). Collection method: clinical testing. Allele origin: germline.

CeGaT Center for Human Genetics Tuebingen
Classification: Likely benign. Last evaluated: 2023-07-01. Review status: criteria provided, single submitter. Criteria: CeGaT Center For Human Genetics Tuebingen Variant Classification Criteria Version 2. Collection method: clinical testing. Allele origin: germline. Affected: yes. Observed: 1 variant allele.
Comment: AGRN: PP3, BS1

GeneDx
Classification: Likely benign. Last evaluated: 2020-06-18. Review status: criteria provided, single submitter. Criteria: GeneDx Variant Classification Process June 2021. Collection method: clinical testing. Allele origin: germline. Affected: yes.

Dr. Peter K. Rogan Lab, Western University
No classification provided (evidence only). Condition: Malignant tumor of urinary bladder. Review status: no classification provided. Collection method: in vitro. Allele origin: not applicable. Functional consequence: retained intron. Not counted in ClinVar's aggregate classification.